The following is an entry in ClinVar:

NM_001384140.1(PCDH15):c.3311del (p.Val1104fs)

Gene: PCDH15 (protocadherin related 15; minus strand). Cytogenetic location: 10q21.1.
Variant type: Deletion.
Coding change: c.3311del on transcript NM_001384140.1 (MANE Select); coding-DNA position 3311, one base deleted (T; older notation c.3311delT).
Protein change: p.Val1104fs; shifts the reading frame from valine 1104.
Molecular consequence: frameshift variant.
Genome position (GRCh38, 1-based): chr10:53,938,877, A deleted on the plus strand (T on the coding strand, the reverse complement: PCDH15 is on the minus strand). VCF-style (leftmost placement, unchanged base first): chr10-53938876-TA-T. GRCh37 (hg19) VCF-style: chr10-55698636-TA-T.
Other names: c.3326del, p.Val1109fs (NM_001142763.2, NM_001142771.2); c.3311del, p.Val1104fs (NM_001142764.2, NM_001142766.2, NM_001142770.3 and 4 more transcripts); c.3098del, p.Val1033fs (NM_001142765.2); c.3200del, p.Val1067fs (NM_001142767.2); c.3245del, p.Val1082fs (NM_001142768.2, NM_001142773.2, NM_001354404.2); c.3347delT, p.Val1116Aspfs (NM_001142769.4); c.3332del, p.Val1111fs (NM_001354411.2); short protein forms V1033fs, V1067fs, V1082fs, V1104fs, V1109fs, V1111fs, V1116fs.
Identifiers: ClinVar variation 5013962 (VCV005013962.1).
Genomic context (GRCh38, chr10:53,938,876, plus strand): 5'-TTTTGAAGGAACTCGGAGATTGGCAAGGACCACTTCCAGGGAATCAGCTTGGACTCGAAG[TA>T]CATAGCTTGTCCTGGTCTCATAATCCAGAGGTCCATTCACATAGATAACACCTGTGATGT-3'

ClinVar aggregate classification (germline): Pathogenic (1 of 4 stars; one submission).

Conditions:
Usher syndrome type 1F (USH1F). Also called: USHER SYNDROME, TYPE IF. Identifiers: Orphanet 231169, Orphanet 886, MedGen C1865885, MONDO:0011186, OMIM 602083.

Submission:

Myriad Genetics, Inc.
Classification: Pathogenic for Usher syndrome type 1F. Last evaluated: 2025-01-14. Review status: criteria provided, single submitter. Criteria: Myriad Autosomal Dominant, Autosomal Recessive and X-Linked Classification Criteria (2023). Collection method: clinical testing. Allele origin: unknown.
Comment: NM_033056.3(PCDH15):c.3311delT(V1104Dfs*63) is expected to be pathogenic in the context of PCDH15-related disorders. This variant is predicted to lead to an abnormal or absent protein product due to the creation of a premature termination codon in PCDH15, a gene where loss-of-function variants are known to be pathogenic. Please note: this variant was assessed in the context of healthy population screening.